The following is an entry in ClinVar:

ClinVar aggregate classification (germline): Pathogenic (1 of 4 stars; one submission).

Conditions:
Asphyxiating thoracic dystrophy 3. Also called: SHORT-RIB THORACIC DYSPLASIA 3 WITH OR WITHOUT POLYDACTYLY; POLYDACTYLY WITH NEONATAL CHONDRODYSTROPHY, TYPE I; SHORT-RIB THORACIC DYSPLASIA 3/6 WITH POLYDACTYLY, DIGENIC; Short rib polydactyly syndrome 2B; Saldino-Noonan Syndrome. Identifiers: Orphanet 474, Orphanet 93269, Orphanet 93270, Orphanet 93271, MedGen C0036069, MONDO:0013127, OMIM 613091.

Submission:

Myriad Genetics, Inc.
Classification: Pathogenic for Asphyxiating thoracic dystrophy 3. Last evaluated: 2025-11-07. Review status: criteria provided, single submitter. Criteria: Myriad Autosomal Dominant, Autosomal Recessive and X-Linked Classification Criteria (2023). Collection method: clinical testing. Allele origin: unknown.
Comment: NM_001377.2(DYNC2H1):c.457_460dupGACA(T154Rfs*3) is expected to be pathogenic in the context of DYNC2H1-related disorders. This variant is predicted to lead to an abnormal or absent protein product due to the creation of a premature termination codon in DYNC2H1, a gene where loss-of-function variants are known to be pathogenic. Please note: this variant was assessed in the context of healthy population screening.

NM_001377.3(DYNC2H1):c.457_460dup (p.Thr154fs)

Gene: DYNC2H1 (dynein cytoplasmic 2 heavy chain 1; plus strand). Cytogenetic location: 11q22.3.
Variant type: Duplication.
Coding change: c.457_460dup on transcript NM_001377.3 (MANE Select); coding-DNA positions 457 to 460, 4 bases duplicated (GACA; older notation c.457_460dupGACA).
Protein change: p.Thr154fs; shifts the reading frame from threonine 154.
Molecular consequence: frameshift variant.
Genome position (GRCh38, 1-based): chr11:103,114,193-103,114,196, GACA duplicated; duplicating any 4 consecutive bases within chr11:103,114,191-103,114,196 gives the same sequence; the c. name uses the placement nearest the transcript's 3' end. VCF-style (leftmost placement, unchanged base first): chr11-103114190-T-TCAGA. GRCh37 (hg19) VCF-style: chr11-102984919-T-TCAGA.
Other names: c.457_460dup, p.Thr154fs (NM_001080463.2); short protein forms T154fs.
Identifiers: ClinVar variation 5015183 (VCV005015183.1).
Genomic context (GRCh38, chr11:103,114,190, plus strand): 5'-CCCAAACTTCAGAATCTTTTGAGTGAACTAGAAGCTGGGTTGGGTATAGTTCTACGAAGA[T>TCAGA]CAGACACTAACTTAACAAAATTGAAATTTAAGGAAGATGACACACGAGGTATATAACCAT-3'